The following is an entry in ClinVar:

ClinVar aggregate classification (germline): Uncertain significance. Review status: criteria provided, multiple submitters, no conflicts (2 of 4 stars). 3 submissions from 3 submitters: Uncertain significance (3). Last evaluated 2025-12-17.

Conditions:
Spermatogenic failure 28. Identifiers: MedGen C4748117, MONDO:0054732, OMIM 618086.
Premature ovarian failure 15. Identifiers: MedGen C4748170, MONDO:0054862, OMIM 618096.
Fanconi anemia (FA). Also called: Fanconi's anemia. Identifiers: Orphanet 84, MedGen C0015625, MeSH D005199, MONDO:0019391.

gnomAD v4.1: 8 of 1,612,578 alleles (0.0005%); highest among the groups gnomAD compares: African/African-American, 0.011%; no homozygotes.

Submissions (3):

Labcorp Genetics (formerly Invitae), Labcorp
Classification: Uncertain significance for Fanconi anemia. Last evaluated: 2025-12-17. Review status: criteria provided, single submitter. Criteria: Invitae Variant Classification Sherloc (09022015). Collection method: clinical testing. Allele origin: germline.
Comment: This sequence change replaces glutamine, which is neutral and polar, with glutamic acid, which is acidic and polar, at codon 1210 of the FANCM protein (p.Gln1210Glu). This variant is present in population databases (rs372276411, gnomAD 0.02%). This variant has not been reported in the literature in individuals affected with FANCM-related conditions. ClinVar contains an entry for this variant (Variation ID: 1218803). An algorithm developed to predict the effect of missense changes on protein structure and function (PolyPhen-2) suggests that this variant is likely to be tolerated. In summary, the available evidence is currently insufficient to determine the role of this variant in disease. Therefore, it has been classified as a Variant of Uncertain Significance.

Fulgent Genetics
Classification: Uncertain significance for Spermatogenic failure 28; Premature ovarian failure 15. Last evaluated: 2022-04-04. Review status: criteria provided, single submitter. Criteria: ACMG Guidelines, 2015. Collection method: clinical testing. Allele origin: unknown.

GeneDx
Classification: Uncertain significance. Last evaluated: 2020-06-12. Review status: criteria provided, single submitter. Criteria: GeneDx Variant Classification Process June 2021. Collection method: clinical testing. Allele origin: germline. Affected: yes.
Comment: In silico analysis supports that this missense variant does not alter protein structure/function; Has not been previously published as pathogenic or benign to our knowledge

NM_020937.4(FANCM):c.3628C>G (p.Gln1210Glu)

Gene: FANCM (FA complementation group M; plus strand). Cytogenetic location: 14q21.2.
Variant type: single nucleotide variant.
Coding change: c.3628C>G on transcript NM_020937.4 (MANE Select); coding-DNA position 3628, C replaced by G.
Protein change: p.Gln1210Glu; replaces glutamine 1210 with glutamic acid.
Molecular consequence: missense variant.
Genome position (GRCh38, 1-based): chr14:45,176,382, C>G. VCF-style: chr14-45176382-C-G. GRCh37 (hg19) VCF-style: chr14-45645585-C-G.
Other names: c.3550C>G, p.Gln1184Glu (NM_001308133.2); short protein forms Q1184E, Q1210E.
Identifiers: ClinVar variation 1218803 (VCV001218803.12), dbSNP rs372276411, ClinGen allele CA7169545.
Genomic context (GRCh38, chr14:45,176,382, plus strand): 5'-CTCCAAGATCAAATCACCCGTGATGCTAATAGTTTTAAATCTCGTGATCAGAGAGGTGTA[C>G]AGGAAGAAAAAGTGAAGAATCATGAGGATATTTTTGATTGCTCTAGGGATTTATTTTCTG-3'
Protein context (NP_065988.1, residues 1200-1220): SFKSRDQRGV[Gln1210Glu]EEKVKNHEDI